The following is an entry in ClinVar:

ClinVar aggregate classification (germline): Uncertain significance (1 of 4 stars; one submission).

Submission:

GeneDx
Classification: Uncertain significance. Last evaluated: 2020-02-06. Review status: criteria provided, single submitter. Criteria: GeneDx Variant Classification Process June 2021. Collection method: clinical testing. Allele origin: germline. Affected: yes.
Comment: Not observed in large population cohorts (Lek et al., 2016); In silico analysis supports that this missense variant has a deleterious effect on protein structure/function; Has not been previously published as pathogenic or benign to our knowledge

NM_001080512.3(BICC1):c.506C>G (p.Pro169Arg)

Gene: BICC1 (BicC family RNA binding protein 1; plus strand). Cytogenetic location: 10q21.1.
Variant type: single nucleotide variant.
Coding change: c.506C>G on transcript NM_001080512.3 (MANE Select); coding-DNA position 506, C replaced by G.
Protein change: p.Pro169Arg; replaces proline 169 with arginine.
Molecular consequence: missense variant.
Genome position (GRCh38, 1-based): chr10:58,787,041, C>G. VCF-style: chr10-58787041-C-G. GRCh37 (hg19) VCF-style: chr10-60546801-C-G.
Other names: short protein forms P169R.
Identifiers: ClinVar variation 1311699 (VCV001311699.2), dbSNP rs2132796942, ClinGen allele CA376968194.